The following is an entry in ClinVar:

NM_003024.3(ITSN1):c.3293G>C (p.Gly1098Ala)

Gene: ITSN1 (intersectin 1; plus strand). Cytogenetic location: 21q22.11.
Variant type: single nucleotide variant.
Coding change: c.3293G>C on transcript NM_003024.3 (MANE Select); coding-DNA position 3293, G replaced by C.
Protein change: p.Gly1098Ala; replaces glycine 1098 with alanine.
Molecular consequence: missense variant.
Genome position (GRCh38, 1-based): chr21:33,829,687, G>C. VCF-style: chr21-33829687-G-C. GRCh37 (hg19) VCF-style: chr21-35201991-G-C.
Other names: c.3293G>C, p.Gly1098Ala (NM_001001132.2); c.3080G>C, p.Gly1027Ala (NM_001331008.2); c.3278G>C, p.Gly1093Ala (NM_001331009.2, NM_001331010.2); c.3065G>C, p.Gly1022Ala (NM_001331011.2); c.3167G>C, p.Gly1056Ala (NM_001331012.2); short protein forms G1056A, G1027A, G1093A, G1098A, G1022A.
Identifiers: ClinVar variation 2205057 (VCV002205057.4), dbSNP rs1272439562, ClinGen allele CA410124528.

ClinVar aggregate classification (germline): Uncertain significance. Review status: criteria provided, multiple submitters, no conflicts (2 of 4 stars). 2 submissions from 2 submitters: Uncertain significance (2). Last evaluated 2025-10-29.

Conditions:
Inborn genetic diseases. Identifiers: MedGen C0950123, MeSH D030342.

Allele frequency attached by ClinVar (database versions not stated): gnomAD exomes below 0.00001; TOPMed 0.00002.
gnomAD v4.1: 1 of 1,612,976 alleles (0.000062%); highest among the groups gnomAD compares: Admixed American, 0.0017%; no homozygotes.

Submissions (2):

Labcorp Genetics (formerly Invitae), Labcorp
Classification: Uncertain significance. Last evaluated: 2025-10-29. Review status: criteria provided, single submitter. Criteria: Invitae Variant Classification Sherloc (09022015). Collection method: clinical testing. Allele origin: germline.
Comment: This sequence change replaces glycine, which is neutral and non-polar, with alanine, which is neutral and non-polar, at codon 1098 of the ITSN1 protein (p.Gly1098Ala). This variant is present in population databases (no rsID available, gnomAD 0.003%). This variant has not been reported in the literature in individuals affected with ITSN1-related conditions. ClinVar contains an entry for this variant (Variation ID: 2205057). An algorithm developed to predict the effect of missense changes on protein structure and function (PolyPhen-2) suggests that this variant is likely to be disruptive. In summary, the available evidence is currently insufficient to determine the role of this variant in disease. Therefore, it has been classified as a Variant of Uncertain Significance.

Ambry Genetics
Classification: Uncertain significance for Inborn genetic diseases. Last evaluated: 2025-03-07. Review status: criteria provided, single submitter. Criteria: Ambry Variant Classification Scheme 2023. Collection method: clinical testing. Allele origin: germline.